The following is an entry in ClinVar:

NM_001363066.2(CLDN5):c.28G>A (p.Gly10Ser)

Gene: CLDN5 (claudin 5; minus strand). Cytogenetic location: 22q11.21.
Variant type: single nucleotide variant.
Coding change: c.28G>A on transcript NM_001363066.2 (MANE Select); coding-DNA position 28, G replaced by A.
Protein change: p.Gly10Ser; replaces glycine 10 with serine.
Molecular consequence: missense variant.
Genome position (GRCh38, 1-based): chr22:19,524,228, C>T on the plus strand (G>A on the coding strand, the complement: CLDN5 is on the minus strand). VCF-style: chr22-19524228-C-T. GRCh37 (hg19) VCF-style: chr22-19511751-C-T.
Other names: c.283G>A, p.Gly95Ser (NM_001130861.1, NM_001363067.2, NM_003277.4); short protein forms G10S, G95S.
Identifiers: ClinVar variation 4055949 (VCV004055949.1).

ClinVar aggregate classification (germline): Uncertain significance (1 of 4 stars; one submission).

Submission:

GeneDx
Classification: Uncertain significance. Last evaluated: 2025-01-03. Review status: criteria provided, single submitter. Criteria: GeneDx Variant Classification Process June 2021. Collection method: clinical testing. Allele origin: germline. Affected: yes.
Comment: Not observed at significant frequency in large population cohorts (gnomAD); In silico analysis supports that this missense variant has a deleterious effect on protein structure/function; Has not been previously published as pathogenic or benign to our knowledge